The following is an entry in ClinVar:

NM_006734.4(HIVEP2):c.4478C>T (p.Pro1493Leu)

Gene: HIVEP2 (HIVEP zinc finger 2; minus strand). Cytogenetic location: 6q24.2.
Variant type: single nucleotide variant.
Coding change: c.4478C>T on transcript NM_006734.4 (MANE Select); coding-DNA position 4478, C replaced by T.
Protein change: p.Pro1493Leu; replaces proline 1493 with leucine.
Molecular consequence: missense variant.
Genome position (GRCh38, 1-based): chr6:142,770,261, G>A on the plus strand (C>T on the coding strand, the complement: HIVEP2 is on the minus strand). VCF-style: chr6-142770261-G-A. GRCh37 (hg19) VCF-style: chr6-143091398-G-A.
Other names: short protein forms P1493L.
Identifiers: ClinVar variation 1896443 (VCV001896443.5), dbSNP rs772140331, ClinGen allele CA365900014.

ClinVar aggregate classification (germline): Uncertain significance (1 of 4 stars; one submission).

Submission:

Labcorp Genetics (formerly Invitae), Labcorp
Classification: Uncertain significance. Last evaluated: 2022-04-12. Review status: criteria provided, single submitter. Criteria: Invitae Variant Classification Sherloc (09022015). Collection method: clinical testing. Allele origin: germline.
Comment: This variant is not present in population databases (gnomAD no frequency). This variant has not been reported in the literature in individuals affected with HIVEP2-related conditions. Algorithms developed to predict the effect of missense changes on protein structure and function are either unavailable or do not agree on the potential impact of this missense change (SIFT: "Deleterious"; PolyPhen-2: "Probably Damaging"; Align-GVGD: "Class C0"). In summary, the available evidence is currently insufficient to determine the role of this variant in disease. Therefore, it has been classified as a Variant of Uncertain Significance. This sequence change replaces proline, which is neutral and non-polar, with leucine, which is neutral and non-polar, at codon 1493 of the HIVEP2 protein (p.Pro1493Leu).